The following is an entry in ClinVar:

NM_000083.3(CLCN1):c.61del (p.Gln21fs)

Gene: CLCN1 (chloride voltage-gated channel 1; plus strand). Cytogenetic location: 7q34.
Variant type: Deletion.
Coding change: c.61del on transcript NM_000083.3 (MANE Select); coding-DNA position 61, one base deleted (C; older notation c.61delC).
Protein change: p.Gln21fs; shifts the reading frame from glutamine 21.
Molecular consequence: frameshift variant. On other transcripts: non-coding transcript variant (1).
Genome position (GRCh38, 1-based): chr7:143,316,273, C deleted; the last of 5 consecutive C bases (chr7:143,316,269-143,316,273); deleting any one gives the same sequence. VCF-style (leftmost placement, unchanged base first): chr7-143316268-AC-A. GRCh37 (hg19) VCF-style: chr7-143013361-AC-A.
Other names: short protein forms Q21fs.
Identifiers: ClinVar variation 2040067 (VCV002040067.4), dbSNP rs2487015403, ClinGen allele CA2580077618.

ClinVar aggregate classification (germline): Pathogenic (1 of 4 stars; one submission).

Conditions:
Congenital myotonia, autosomal recessive form. Also called: BECKER DISEASE; Becker Generalized Myotonia; myotonia congenita, autosomal recessive. Identifiers: Orphanet 614, MedGen C0751360, MONDO:0009715, OMIM 255700.
Congenital myotonia, autosomal dominant form (THD). Also called: THOMSEN DISEASE; Myotonia congenita autosomal dominant. Identifiers: Orphanet 614, MedGen C2936781, MONDO:0008055, OMIM 160800.

Submission:

Labcorp Genetics (formerly Invitae), Labcorp
Classification: Pathogenic for Congenital myotonia, autosomal recessive form; Congenital myotonia, autosomal dominant form. Last evaluated: 2022-04-08. Review status: criteria provided, single submitter. Criteria: Invitae Variant Classification Sherloc (09022015). Collection method: clinical testing. Allele origin: germline.
Comment: This sequence change creates a premature translational stop signal (p.Gln21Serfs*56) in the CLCN1 gene. It is expected to result in an absent or disrupted protein product. Loss-of-function variants in CLCN1 are known to be pathogenic (PMID: 17932099, 22094069, 23739125). This variant is not present in population databases (gnomAD no frequency). This variant has not been reported in the literature in individuals affected with CLCN1-related conditions. For these reasons, this variant has been classified as Pathogenic.

Literature cited by the submitters: PubMed 17932099; PubMed 22094069; PubMed 23739125.